The following is an entry in ClinVar:

ClinVar aggregate classification (germline): Pathogenic (0 of 4 stars; one submission).

Conditions:
ELN-related disorder.

Submission:

PreventionGenetics, part of Exact Sciences
Classification: Pathogenic for ELN-related condition. Last evaluated: 2024-05-15. Review status: no assertion criteria provided. Collection method: clinical testing. Allele origin: germline.
Comment: The ELN c.420delA variant is predicted to result in a frameshift and premature protein termination (p.Val141Cysfs*42). To our knowledge, this variant has not been reported in the literature or in a large population database, indicating this variant is rare. Frameshift variants in ELN are expected to be pathogenic. This variant is interpreted as pathogenic.

NM_000501.4(ELN):c.420del (p.Val141fs)

Gene: ELN (elastin; plus strand). Cytogenetic location: 7q11.23.
Variant type: Deletion.
Coding change: c.420del on transcript NM_000501.4 (MANE Select); coding-DNA position 420, one base deleted (A; older notation c.420delA).
Protein change: p.Val141fs; shifts the reading frame from valine 141.
Molecular consequence: frameshift variant.
Genome position (GRCh38, 1-based): chr7:74,043,161, A deleted; the last of 3 consecutive A bases (chr7:74,043,159-74,043,161); deleting any one gives the same sequence. VCF-style (leftmost placement, unchanged base first): chr7-74043158-GA-G. GRCh37 (hg19) VCF-style: chr7-73457488-GA-G.
Other names: c.390del, p.Val131fs (NM_001081752.3, NM_001278917.2, NM_001278918.2); c.435del, p.Val146fs (NM_001081753.3, NM_001081754.3); c.420del, p.Val141fs (NM_001081755.3, NM_001278912.2, NM_001278915.2 and 2 more transcripts); c.384del, p.Val129fs (NM_001278913.2); c.405del, p.Val136fs (NM_001278914.2); short protein forms V129fs, V131fs, V136fs, V141fs, V146fs.
Identifiers: ClinVar variation 3348400 (VCV003348400.1).